The following is an entry in ClinVar:

NM_031924.8(RSPH3):c.704G>A (p.Arg235His)

Gene: RSPH3 (radial spoke head 3; minus strand). Cytogenetic location: 6q25.3.
Variant type: single nucleotide variant.
Coding change: c.704G>A on transcript NM_031924.8 (MANE Select); coding-DNA position 704, G replaced by A.
Protein change: p.Arg235His; replaces arginine 235 with histidine.
Molecular consequence: missense variant. On other transcripts: non-coding transcript variant (1).
Genome position (GRCh38, 1-based): chr6:158,980,929, C>T on the plus strand (G>A on the coding strand, the complement: RSPH3 is on the minus strand). VCF-style: chr6-158980929-C-T. GRCh37 (hg19) VCF-style: chr6-159401961-C-T.
Other names: c.842G>A, p.Arg281His (NM_001346418.1); short protein forms R281H, R235H.
Identifiers: ClinVar variation 856045 (VCV000856045.10), dbSNP rs758822234, ClinGen allele CA4075835.
Genomic context (GRCh38, chr6:158,980,929, plus strand): 5'-GCGGCGATTTTTTGTGATGTCTCGTTGTGCTTGTGCATTATTTCCCACTGCTGTTTCTTA[C>T]GCCGTTCCTGCCAAGAACGACAGAGGTGGTTATTTAGCTCTTATGCCCTCCCCAAGTGCT-3'
Protein context (NP_114130.4, residues 225-245): ERRHREEKER[Arg235His]KKQQWEIMHK

ClinVar aggregate classification (germline): Uncertain significance. Review status: criteria provided, multiple submitters, no conflicts (2 of 4 stars). 3 submissions from 3 submitters: Uncertain significance (3). Last evaluated 2025-12-29.

Conditions:
Inborn genetic diseases. Identifiers: MedGen C0950123, MeSH D030342.
Primary ciliary dyskinesia 32. Also called: CILIARY DYSKINESIA, PRIMARY, 32, WITHOUT SITUS INVERSUS. Identifiers: Orphanet 244, MedGen C4225311, MONDO:0014657, OMIM 616481.

Allele frequency attached by ClinVar (database versions not stated): gnomAD 0.00001 and 0.00002; ExAC 0.00002; gnomAD exomes 0.00002; TOPMed 0.00003.
gnomAD v4.1: 32 of 1,613,800 alleles (0.002%); highest among the groups gnomAD compares: South Asian, 0.0044%; no homozygotes.

Submissions (3):

Labcorp Genetics (formerly Invitae), Labcorp
Classification: Uncertain significance for Primary ciliary dyskinesia 32. Last evaluated: 2025-12-29. Review status: criteria provided, single submitter. Criteria: Invitae Variant Classification Sherloc (09022015). Collection method: clinical testing. Allele origin: germline.
Comment: This sequence change replaces arginine, which is basic and polar, with histidine, which is basic and polar, at codon 377 of the RSPH3 protein (p.Arg377His). This variant is present in population databases (rs758822234, gnomAD 0.006%). This variant has not been reported in the literature in individuals affected with RSPH3-related conditions. ClinVar contains an entry for this variant (Variation ID: 856045). An algorithm developed to predict the effect of missense changes on protein structure and function (PolyPhen-2) suggests that this variant is likely to be disruptive. In summary, the available evidence is currently insufficient to determine the role of this variant in disease. Therefore, it has been classified as a Variant of Uncertain Significance.

CeGaT Center for Human Genetics Tuebingen
Classification: Uncertain significance. Last evaluated: 2025-04-01. Review status: criteria provided, single submitter. Criteria: CeGaT Center For Human Genetics Tuebingen Variant Classification Criteria Version 2. Collection method: clinical testing. Allele origin: germline. Affected: yes. Observed: 1 variant allele.
Comment: RSPH3: PM2, BP4

Ambry Genetics
Classification: Uncertain significance for Inborn genetic diseases. Last evaluated: 2024-04-09. Review status: criteria provided, single submitter. Criteria: Ambry Variant Classification Scheme 2023. Collection method: clinical testing. Allele origin: germline.